The following is an entry in ClinVar:

ClinVar aggregate classification (germline): Likely benign. Review status: criteria provided, single submitter (1 of 4 stars). 2 submissions from 2 submitters: Likely benign (1). 1 of the submissions does not count toward it. Last evaluated 2019-12-31.

Conditions:
MYO16-related disorder. Also called: MYO16-related condition.

Allele frequency attached by ClinVar (database versions not stated): ESP Exome Variant Server 0.00038; gnomAD 0.00042 and 0.00046; ExAC 0.00049; gnomAD exomes 0.00049 and 0.00050; TOPMed 0.00050.
gnomAD v4.1: 798 of 1,612,834 alleles (0.049%); highest among the groups gnomAD compares: South Asian, 0.063%; 2 homozygotes.

Submissions (2):

Labcorp Genetics (formerly Invitae), Labcorp
Classification: Likely benign. Last evaluated: 2019-12-31. Review status: criteria provided, single submitter. Criteria: Invitae Variant Classification Sherloc (09022015). Collection method: clinical testing. Allele origin: germline.

PreventionGenetics, part of Exact Sciences
Classification: Likely benign for MYO16-related condition. Last evaluated: 2019-06-12. Review status: no assertion criteria provided. Collection method: clinical testing. Allele origin: germline. Not counted in ClinVar's aggregate classification.
Comment: This variant is classified as likely benign based on ACMG/AMP sequence variant interpretation guidelines (Richards et al. 2015 PMID: 25741868, with internal and published modifications).

NM_001198950.3(MYO16):c.2505C>T (p.His835=)

Gene: MYO16 (myosin XVI; plus strand). Cytogenetic location: 13q33.3.
Variant type: single nucleotide variant.
Coding change: c.2505C>T on transcript NM_001198950.3 (MANE Select); coding-DNA position 2505, C replaced by T.
Protein change: p.His835=; no amino-acid change (histidine 835 retained).
Molecular consequence: synonymous variant.
Genome position (GRCh38, 1-based): chr13:109,008,959, C>T. VCF-style: chr13-109008959-C-T. GRCh37 (hg19) VCF-style: chr13-109661307-C-T.
Other names: c.2439C>T, p.His813= (NM_015011.3).
Identifiers: ClinVar variation 724640 (VCV000724640.6), dbSNP rs143200097, ClinGen allele CA7045084.